The following is an entry in ClinVar:

ClinVar aggregate classification (germline): Uncertain significance (1 of 4 stars; one submission).

Conditions:
Dyskeratosis congenita. Identifiers: Orphanet 1775, MedGen C0265965, MONDO:0015780.

Submission:

Ambry Genetics
Classification: Uncertain significance for Dyskeratosis congenita. Last evaluated: 2026-06-26. Review status: criteria provided, single submitter. Criteria: Ambry Variant Classification Scheme 2023. Collection method: clinical testing. Allele origin: germline.
Comment: The p.G138E variant (also known as c.413G>A), located in coding exon 2 of the TERT gene, results from a G to A substitution at nucleotide position 413. The glycine at codon 138 is replaced by glutamic acid, an amino acid with similar properties. This amino acid position is poorly conserved in available vertebrate species. In addition, this alteration is predicted to be tolerated by in silico analysis. Based on the available evidence, the clinical significance of this variant remains unclear.

NM_198253.3(TERT):c.413G>A (p.Gly138Glu)

Gene: TERT (telomerase reverse transcriptase; minus strand). Cytogenetic location: 5p15.33.
Variant type: single nucleotide variant.
Coding change: c.413G>A on transcript NM_198253.3 (MANE Select); coding-DNA position 413, G replaced by A.
Protein change: p.Gly138Glu; replaces glycine 138 with glutamic acid.
Molecular consequence: missense variant. On other transcripts: non-coding transcript variant (2).
Genome position (GRCh38, 1-based): chr5:1,294,473, C>T on the plus strand (G>A on the coding strand, the complement: TERT is on the minus strand). VCF-style: chr5-1294473-C-T. GRCh37 (hg19) VCF-style: chr5-1294588-C-T.
Other names: c.413G>A, p.Gly138Glu (NM_001193376.3); short protein forms G138E.
Identifiers: ClinVar variation 5030631 (VCV005030631.1).
Genomic context (GRCh38, chr5:1,294,473, plus strand): 5'-AGCGCGCAGCGTGCCAGCAGGTGAACCAGCACGTCGTCGCCCACGCGGCGCAGCAGCAGC[C>T]CCCACGCCCCGCTCCCCCGCAGTGCGTCGGTCACCGTGTTGGGCAGGTAGCTGCGCACGC-3'
Protein context (NP_937983.2, residues 128-148): TDALRGSGAW[Gly138Glu]LLLRRVGDDV